The following is an entry in ClinVar:

NM_004999.4(MYO6):c.3098C>T (p.Ala1033Val)

Gene: MYO6 (myosin VI; plus strand). Cytogenetic location: 6q14.1.
Variant type: single nucleotide variant.
Coding change: c.3098C>T on transcript NM_004999.4 (MANE Select); coding-DNA position 3098, C replaced by T.
Protein change: p.Ala1033Val; replaces alanine 1033 with valine.
Molecular consequence: missense variant. On other transcripts: non-coding transcript variant (1).
Genome position (GRCh38, 1-based): chr6:75,892,681, C>T. VCF-style: chr6-75892681-C-T. GRCh37 (hg19) VCF-style: chr6-76602398-C-T.
Other names: c.3098C>T, p.Ala1033Val (NM_001300899.2, NM_001368136.1, NM_001368137.1 and 2 more transcripts); c.3083C>T, p.Ala1028Val (NM_001368138.1); short protein forms A1028V, A1033V.
Identifiers: ClinVar variation 1697032 (VCV001697032.6), dbSNP rs147066544, ClinGen allele CA3897540.

ClinVar aggregate classification (germline): Uncertain significance. Review status: criteria provided, multiple submitters, no conflicts (2 of 4 stars). 3 submissions from 3 submitters: Uncertain significance (3). Last evaluated 2024-08-19.

Conditions:
Inborn genetic diseases. Identifiers: MedGen C0950123, MeSH D030342.

Allele frequency attached by ClinVar (database versions not stated): gnomAD exomes below 0.00001 and 0.00002; TOPMed below 0.00001; ExAC 0.00003; ESP Exome Variant Server 0.00008.
gnomAD v4.1: 13 of 1,612,232 alleles (0.00081%); highest among the groups gnomAD compares: Admixed American, 0.0033%; no homozygotes.

Submissions (3):

GeneDx
Classification: Uncertain significance. Last evaluated: 2024-08-19. Review status: criteria provided, single submitter. Criteria: GeneDx Variant Classification Process June 2021. Collection method: clinical testing. Allele origin: germline. Affected: yes.
Comment: In silico analysis indicates that this missense variant does not alter protein structure/function; Has not been previously published as pathogenic or benign to our knowledge

Labcorp Genetics (formerly Invitae), Labcorp
Classification: Uncertain significance. Last evaluated: 2024-08-05. Review status: criteria provided, single submitter. Criteria: Invitae Variant Classification Sherloc (09022015). Collection method: clinical testing. Allele origin: germline.
Comment: This sequence change replaces alanine, which is neutral and non-polar, with valine, which is neutral and non-polar, at codon 1033 of the MYO6 protein (p.Ala1033Val). This variant is present in population databases (rs147066544, gnomAD 0.008%). This variant has not been reported in the literature in individuals affected with MYO6-related conditions. ClinVar contains an entry for this variant (Variation ID: 1697032). Advanced modeling of protein sequence and biophysical properties (such as structural, functional, and spatial information, amino acid conservation, physicochemical variation, residue mobility, and thermodynamic stability) performed at Invitae indicates that this missense variant is not expected to disrupt MYO6 protein function with a negative predictive value of 80%. In summary, the available evidence is currently insufficient to determine the role of this variant in disease. Therefore, it has been classified as a Variant of Uncertain Significance.

Ambry Genetics
Classification: Uncertain significance for Inborn genetic diseases. Last evaluated: 2023-10-14. Review status: criteria provided, single submitter. Criteria: Ambry Variant Classification Scheme 2023. Collection method: clinical testing. Allele origin: germline.